The following is an entry in ClinVar:

NM_000218.3(KCNQ1):c.1393+34601A>G

Genes: KCNQ1 (potassium voltage-gated channel subfamily Q member 1; plus strand), KCNQ1OT1 (KCNQ1 opposite strand/antisense transcript 1; minus strand). Cytogenetic location: 11p15.5.
Variant type: single nucleotide variant.
Coding change: c.1393+34601A>G on transcript NM_000218.3 (MANE Select); 34601 bases into the intron after coding-DNA position 1393, A replaced by G.
Molecular consequence: intron variant. On other transcripts: non-coding transcript variant (1).
Genome position (GRCh38, 1-based): chr11:2,623,455, A>G. VCF-style: chr11-2623455-A-G. GRCh37 (hg19) VCF-style: chr11-2644685-A-G.
Other names: c.1123+34601A>G (NM_001406837.1); c.1297+34601A>G (NM_001406836.1); c.853+34601A>G (NM_001406838.1); c.1012+34601A>G (NM_181798.2).
Identifiers: ClinVar variation 4874234 (VCV004874234.2).

ClinVar aggregate classification (germline): Uncertain significance (1 of 4 stars; one submission).

gnomAD v4.1: 1 of 398,548 alleles (0.00025%); highest among the groups gnomAD compares: Non-Finnish European, 0.00044%; no homozygotes.

Submission:

CeGaT Center for Human Genetics Tuebingen
Classification: Uncertain significance. Last evaluated: 2026-05-01. Review status: criteria provided, single submitter. Criteria: CeGaT Center For Human Genetics Tuebingen Variant Classification Criteria Version 2. Collection method: clinical testing. Allele origin: germline. Affected: yes. Observed: 1 variant allele.
Comment: KCNQ1OT1: PM2